The following is an entry in ClinVar:

NM_144687.4(NLRP12):c.2098G>A (p.Ala700Thr)

Gene: NLRP12 (NLR family pyrin domain containing 12; minus strand). Cytogenetic location: 19q13.42.
Variant type: single nucleotide variant.
Coding change: c.2098G>A on transcript NM_144687.4 (MANE Select); coding-DNA position 2098, G replaced by A.
Protein change: p.Ala700Thr; replaces alanine 700 with threonine.
Molecular consequence: missense variant.
Genome position (GRCh38, 1-based): chr19:53,807,640, C>T on the plus strand (G>A on the coding strand, the complement: NLRP12 is on the minus strand). VCF-style: chr19-53807640-C-T. GRCh37 (hg19) VCF-style: chr19-54310894-C-T.
Other names: c.2101G>A, p.Ala701Thr (NM_001277126.2); c.2098G>A, p.Ala700Thr (NM_001277129.1); short protein forms A700T, A701T.
Identifiers: ClinVar variation 2413052 (VCV002413052.4), dbSNP rs1170715499, ClinGen allele CA407411417.

ClinVar aggregate classification (germline): Uncertain significance. Review status: criteria provided, multiple submitters, no conflicts (2 of 4 stars). 2 submissions from 2 submitters: Uncertain significance (2). Last evaluated 2025-08-18.

Conditions:
Familial cold autoinflammatory syndrome 2 (FCAS2). Identifiers: Orphanet 247868, MedGen C2673198, MONDO:0012724, OMIM 611762.

Allele frequency attached by ClinVar (database versions not stated): gnomAD 0.00001; TOPMed 0.00001; gnomAD exomes 0.00002.
gnomAD v4.1: 38 of 1,614,034 alleles (0.0024%); highest among the groups gnomAD compares: Non-Finnish European, 0.0025%; no homozygotes.

Submissions (2):

Labcorp Genetics (formerly Invitae), Labcorp
Classification: Uncertain significance for Familial cold autoinflammatory syndrome 2. Last evaluated: 2025-08-18. Review status: criteria provided, single submitter. Criteria: Invitae Variant Classification Sherloc (09022015). Collection method: clinical testing. Allele origin: germline.
Comment: This sequence change replaces alanine, which is neutral and non-polar, with threonine, which is neutral and polar, at codon 700 of the NLRP12 protein (p.Ala700Thr). This variant is present in population databases (no rsID available, gnomAD 0.002%). This variant has not been reported in the literature in individuals affected with NLRP12-related conditions. ClinVar contains an entry for this variant (Variation ID: 2413052). An algorithm developed to predict the effect of missense changes on protein structure and function outputs the following: PolyPhen-2: "Benign". The threonine amino acid residue is found in multiple mammalian species, which suggests that this missense change does not adversely affect protein function. In summary, the available evidence is currently insufficient to determine the role of this variant in disease. Therefore, it has been classified as a Variant of Uncertain Significance.

GeneDx
Classification: Uncertain significance. Last evaluated: 2022-07-28. Review status: criteria provided, single submitter. Criteria: GeneDx Variant Classification Process June 2021. Collection method: clinical testing. Allele origin: germline. Affected: yes.
Comment: Not observed at significant frequency in large population cohorts (gnomAD); In silico analysis supports that this missense variant does not alter protein structure/function; Has not been previously published as pathogenic or benign to our knowledge